The following is an entry in ClinVar:

NM_015662.3(IFT172):c.4815+2_4815+3del

Genes: IFT172 (intraflagellar transport 172; minus strand), KRTCAP3 (keratinocyte associated protein 3; plus strand). Cytogenetic location: 2p23.3.
Variant type: Microsatellite.
Coding change: c.4815+2_4815+3del on transcript NM_015662.3 (MANE Select); the canonical splice donor site of the intron after coding-DNA position 4815 through 3 bases into the intron after coding-DNA position 4815, 2 bases deleted (TG; older notation c.4815+2_4815+3delTG).
Molecular consequence: splice donor variant. On other transcripts: intron variant (1).
Genome position (GRCh38, 1-based): chr2:27,445,926-27,445,927, CA deleted on the plus strand (TG on the coding strand, the reverse complement: IFT172 is on the minus strand); deleting any 2 consecutive bases within chr2:27,445,926-27,445,929 gives the same sequence; the c. name uses the placement nearest the transcript's 3' end. VCF-style (leftmost placement, unchanged base first): chr2-27445925-TCA-T. GRCh37 (hg19) VCF-style: chr2-27668792-TCA-T.
Other names: c.*6-373_*6-372del (NM_001168364.2); c.4749+2_4749+3del (NM_001410739.1).
Identifiers: ClinVar variation 1524924 (VCV001524924.8), dbSNP rs2148467424, ClinGen allele CA2580611608.

ClinVar aggregate classification (germline): Likely pathogenic (1 of 4 stars; one submission).

Conditions:
Short-rib thoracic dysplasia 10 with or without polydactyly (SRTD10). Identifiers: Orphanet 474, MedGen C3810175, MONDO:0014284, OMIM 615630.
Retinitis pigmentosa 71 (RP71). Identifiers: Orphanet 791, MedGen C4225342, MONDO:0014618, OMIM 616394.

Submission:

Labcorp Genetics (formerly Invitae), Labcorp
Classification: Likely pathogenic for Retinitis pigmentosa 71; Short-rib thoracic dysplasia 10 with or without polydactyly. Last evaluated: 2022-03-12. Review status: criteria provided, single submitter. Criteria: Invitae Variant Classification Sherloc (09022015). Collection method: clinical testing. Allele origin: germline.
Comment: This variant has not been reported in the literature in individuals affected with IFT172-related conditions. This variant is not present in population databases (gnomAD no frequency). This sequence change affects a splice site in intron 44 of the IFT172 gene. It is expected to disrupt RNA splicing. Variants that disrupt the donor or acceptor splice site typically lead to a loss of protein function (PMID: 16199547), and loss-of-function variants in IFT172 are known to be pathogenic (PMID: 24140113). In summary, the currently available evidence indicates that the variant is pathogenic, but additional data are needed to prove that conclusively. Therefore, this variant has been classified as Likely Pathogenic. Algorithms developed to predict the effect of sequence changes on RNA splicing suggest that this variant may disrupt the consensus splice site.

Literature cited by the submitters: PubMed 16199547; PubMed 24140113.